The following is an entry in ClinVar:

ClinVar aggregate classification (germline): Pathogenic. Review status: reviewed by expert panel (3 of 4 stars). 5 submissions from 5 submitters: Pathogenic (1). 4 of the submissions do not count toward it. Last evaluated 2023-08-25.

Conditions:
CDH1-related diffuse gastric and lobular breast cancer syndrome. Also called: CDH1-related diffuse gastric and lobular breast cancer. Identifiers: MedGen CN311521, MONDO:0100488.
Familial cancer of breast. Also called: hereditary breast carcinoma; BREAST CANCER, FAMILIAL; Hereditary breast cancer. Identifiers: Orphanet 227535, MedGen C0346153, MONDO:0016419, OMIM 114480. Disease mechanism: loss of function.
Hereditary diffuse gastric adenocarcinoma (HDGC). Also called: DIFFUSE GASTRIC AND LOBULAR BREAST CANCER SYNDROME. Identifiers: Orphanet 26106, MedGen C1708349, MONDO:0007648, OMIM 137215.
Endometrial carcinoma. Also called: Endometrial carcinoma, somatic. Identifiers: MedGen C0476089, MONDO:0002447, OMIM 608089, HP:0012114.
Ovarian neoplasm. Also called: Neoplasm of ovary; Ovarian tumor; Ovarian Neoplasms. Identifiers: MedGen C0919267, MeSH D010051, MONDO:0021068, HP:0100615.
Prostate cancer. Also called: Malignant tumor of prostate. Identifiers: Orphanet 1331, MedGen C0376358, MONDO:0008315, HP:0012125.
Blepharocheilodontic syndrome 1 (BCDS1). Identifiers: Orphanet 1997, MedGen C4551988, MONDO:0054740, OMIM 119580.
Hereditary cancer-predisposing syndrome. Also called: Neoplastic Syndromes, Hereditary; Hereditary neoplastic syndrome; Hereditary Cancer Syndrome; Tumor predisposition. Identifiers: Orphanet 140162, MedGen C0027672, MeSH D009386, MONDO:0015356.

Submissions (5):

Clingen Gastric Cancer Variant Curation Expert Panel
Classification: Pathogenic for CDH1-related diffuse gastric and lobular breast cancer syndrome. Last evaluated: 2023-08-25. Review status: reviewed by expert panel. Criteria: ClinGen CDH1 ACMG Specifications V3.1. Collection method: curation. Allele origin: germline. Inheritance: Autosomal dominant inheritance.
Comment: The c.1147C>T (p.Gln383Ter) variant is predicted to result in a premature stop codon that leads to a truncated or absent protein (PVS1, PM5_Supporting). This variant is absent in the gnomAD cohort (PM2_Supporting). The variant has been reported in at least one family meeting HDGC clinical criteria (PS4_Supporting; PMID 23709761). In summary, this variant meets criteria to be classified as pathogenic based on the ACMG/AMP criteria applied as specified by the CDH1 Variant Curation Expert Panel (Variant Interpretation Guidelines Version 3.1): PVS1, PM2_Supporting, PS4_Supporting, PM5_Supporting.

Ambry Genetics
Classification: Pathogenic for Hereditary cancer-predisposing syndrome. Last evaluated: 2025-05-20. Review status: criteria provided, single submitter. Criteria: Ambry Variant Classification Scheme 2023. Collection method: clinical testing. Allele origin: germline. Not counted in ClinVar's aggregate classification.
Comment: The p.Q383* pathogenic mutation (also known as c.1147C>T), located in coding exon 9 of the CDH1 gene, results from a C to T substitution at nucleotide position 1147. This changes the amino acid from a glutamine to a stop codon within coding exon 9. In addition to the clinical data presented in the literature, this alteration is expected to result in loss of function by premature protein truncation or nonsense-mediated mRNA decay. As such, this alteration is interpreted as a disease-causing mutation.

European Reference Network on Genetic Tumour Risk Syndromes (ERN-GENTURIS), i3s - Instituto de Investigação e Inovação em Saúde, University of Porto
Classification: Pathogenic for Hereditary diffuse gastric adenocarcinoma. Last evaluated: 2022-08-01. Review status: criteria provided, single submitter. Criteria: Lee et al. (Hum Mutat. 2018). Collection method: clinical testing. Allele origin: germline. Inheritance: Autosomal dominant inheritance. Affected: yes. Study: ERN GENTURIS. Not counted in ClinVar's aggregate classification.
Comment: PVS1; PS4_Supporting; PM2 (PMID: 30311375)

Labcorp Genetics (formerly Invitae), Labcorp
Classification: Pathogenic for Hereditary diffuse gastric adenocarcinoma. Last evaluated: 2021-04-26. Review status: criteria provided, single submitter. Criteria: Invitae Variant Classification Sherloc (09022015). Collection method: clinical testing. Allele origin: germline. Not counted in ClinVar's aggregate classification.
Comment: This variant is not present in population databases (ExAC no frequency). For these reasons, this variant has been classified as Pathogenic. This variant has been observed in individual(s) with diffuse gastric cancer (PMID: 23709761). ClinVar contains an entry for this variant (Variation ID: 142888). This sequence change creates a premature translational stop signal (p.Gln383*) in the CDH1 gene. It is expected to result in an absent or disrupted protein product. Loss-of-function variants in CDH1 are known to be pathogenic (PMID: 15235021, 20373070).

Fulgent Genetics
Classification: Pathogenic for Familial cancer of breast; Blepharocheilodontic syndrome 1; Hereditary diffuse gastric adenocarcinoma; Ovarian cancer; Familial prostate cancer; Endometrial carcinoma. Last evaluated: 2018-10-31. Review status: criteria provided, single submitter. Criteria: ACMG Guidelines, 2015. Collection method: clinical testing. Allele origin: unknown. Not counted in ClinVar's aggregate classification.

Literature cited by the submitters: PubMed 23709761 (cited by Clingen Gastric Cancer Variant Curation Expert Panel and Labcorp Genetics (formerly Invitae), Labcorp); PubMed 36436516 (cited by European Reference Network on Genetic Tumour Risk Syndromes (ERN-GENTURIS), i3s - Instituto de Investigação e Inovação em Saúde, University of Porto); PubMed 15235021 (cited by Labcorp Genetics (formerly Invitae), Labcorp); PubMed 20373070 (cited by Labcorp Genetics (formerly Invitae), Labcorp).

NM_004360.5(CDH1):c.1147C>T (p.Gln383Ter)

Gene: CDH1 (cadherin 1; plus strand). Cytogenetic location: 16q22.1.
Variant type: single nucleotide variant.
Coding change: c.1147C>T on transcript NM_004360.5 (MANE Select); coding-DNA position 1147, C replaced by T.
Protein change: p.Gln383Ter; replaces glutamine 383 with a stop codon.
Molecular consequence: nonsense. On other transcripts: 5 prime UTR variant (2), intron variant (1).
Genome position (GRCh38, 1-based): chr16:68,813,322, C>T. VCF-style: chr16-68813322-C-T. GRCh37 (hg19) VCF-style: chr16-68847225-C-T.
Other names: c.1147C>T (LRG_301t1, NM_004360.4); c.-469C>T (NM_001317185.2); c.-673C>T (NM_001317186.2); c.1137+1059C>T (NM_001317184.2); short protein forms Q383*.
Identifiers: ClinVar variation 142888 (VCV000142888.19), dbSNP rs587782798, ClinGen allele CA169687.